The following is an entry in ClinVar:

ClinVar aggregate classification (germline): Likely pathogenic (1 of 4 stars; one submission).

Conditions:
Niemann-Pick disease, type B. Also called: Chronic Visceral ASMD (Niemann-Pick Disease Type B; NPD-B). Identifiers: Orphanet 77293, MedGen C0268243, MONDO:0011871, OMIM 607616. Disease mechanism: loss of function.
Niemann-Pick disease, type A. Also called: SPHINGOMYELIN LIPIDOSIS; SPHINGOMYELINASE DEFICIENCY; Infantile Neurovisceral ASMD (Niemann-Pick Disease Type A; NPD-A). Identifiers: Orphanet 77292, MedGen C0268242, MONDO:0009756, OMIM 257200. Disease mechanism: loss of function.

gnomAD v4.1: 1 of 1,614,130 alleles (0.000062%); highest among the groups gnomAD compares: Non-Finnish European, 0.000085%; no homozygotes.

Submission:

Juno Genomics, Hangzhou Juno Genomics, Inc
Classification: Likely pathogenic for Niemann-Pick disease, type A; Niemann-Pick disease, type B. Review status: criteria provided, single submitter. Criteria: ACMG Guidelines, 2015. Collection method: clinical testing. Allele origin: germline.
Comment: Null variant in a gene where loss of function (LOF) is a known mechanism of disease.;Absent from controls (or at extremely low frequency if recessive) in Genome Aggregation Database.

NM_000543.5(SMPD1):c.1053G>A (p.Trp351Ter)

Gene: SMPD1 (sphingomyelin phosphodiesterase 1; plus strand). Cytogenetic location: 11p15.4.
Variant type: single nucleotide variant.
Coding change: c.1053G>A on transcript NM_000543.5 (MANE Select); coding-DNA position 1053, G replaced by A.
Protein change: p.Trp351Ter; replaces tryptophan 351 with a stop codon.
Molecular consequence: nonsense. On other transcripts: missense variant (1), non-coding transcript variant (1).
Genome position (GRCh38, 1-based): chr11:6,392,118, G>A. VCF-style: chr11-6392118-G-A. GRCh37 (hg19) VCF-style: chr11-6413348-G-A.
Other names: c.1050G>A, p.Trp350Ter (NM_001007593.3); c.1053G>A, p.Trp351Ter (NM_001318087.2, NM_001365135.2); c.92G>A, p.Gly31Glu (NM_001318088.2); short protein forms G31E, W351*, W350*.
Identifiers: ClinVar variation 5007888 (VCV005007888.2).
Genomic context (GRCh38, chr11:6,392,118, plus strand): 5'-CCCCTTCATTGAGGGCAACCACTCCTCCCGCTGGCTCTATGAAGCGATGGCCAAGGCTTG[G>A]GAGCCCTGGCTGCCTGCCGAAGCCCTGCGCACCCTCAGGTACTTATCGTCCGTGGAAACC-3'